The following is an entry in ClinVar:

NM_000548.5(TSC2):c.404A>G (p.Asp135Gly)

Gene: TSC2 (TSC complex subunit 2; plus strand). Cytogenetic location: 16p13.3.
Variant type: single nucleotide variant.
Coding change: c.404A>G on transcript NM_000548.5 (MANE Select); coding-DNA position 404, A replaced by G.
Protein change: p.Asp135Gly; replaces aspartic acid 135 with glycine.
Molecular consequence: missense variant. On other transcripts: intron variant (1).
Genome position (GRCh38, 1-based): chr16:2,054,363, A>G. VCF-style: chr16-2054363-A-G. GRCh37 (hg19) VCF-style: chr16-2104364-A-G.
Other names: c.404A>G, p.Asp135Gly (NM_001077183.3, NM_001114382.3, NM_001363528.2 and 3 more transcripts); c.293A>G, p.Asp98Gly (NM_001318827.2); c.257A>G, p.Asp86Gly (NM_001318829.2); c.437A>G, p.Asp146Gly (NM_001318832.2); c.-1-1833A>G (NM_001318831.2); short protein forms D135G, D146G, D86G, D98G.
Identifiers: ClinVar variation 999227 (VCV000999227.8), dbSNP rs2085506301, ClinGen allele CA394307008.

ClinVar aggregate classification (germline): Uncertain significance (1 of 4 stars; one submission).

Conditions:
Tuberous sclerosis 2 (TSC2). Identifiers: Orphanet 805, MedGen C1860707, MONDO:0013199, OMIM 613254.

Allele frequency attached by ClinVar (database versions not stated): gnomAD exomes below 0.00001.
gnomAD v4.1: 1 of 1,614,198 alleles (0.000062%); highest among the groups gnomAD compares: Non-Finnish European, 0.000085%; no homozygotes.

Submission:

Labcorp Genetics (formerly Invitae), Labcorp
Classification: Uncertain significance for Tuberous sclerosis 2. Last evaluated: 2023-12-08. Review status: criteria provided, single submitter. Criteria: Invitae Variant Classification Sherloc (09022015). Collection method: clinical testing. Allele origin: germline.
Comment: This sequence change replaces aspartic acid, which is acidic and polar, with glycine, which is neutral and non-polar, at codon 135 of the TSC2 protein (p.Asp135Gly). This variant is not present in population databases (gnomAD no frequency). This variant has not been reported in the literature in individuals affected with TSC2-related conditions. ClinVar contains an entry for this variant (Variation ID: 999227). Advanced modeling of protein sequence and biophysical properties (such as structural, functional, and spatial information, amino acid conservation, physicochemical variation, residue mobility, and thermodynamic stability) performed at Invitae indicates that this missense variant is not expected to disrupt TSC2 protein function with a negative predictive value of 95%. In summary, the available evidence is currently insufficient to determine the role of this variant in disease. Therefore, it has been classified as a Variant of Uncertain Significance.